The following is an entry in ClinVar:

ClinVar aggregate classification (germline): Uncertain significance. Review status: criteria provided, multiple submitters, no conflicts (2 of 4 stars). 5 submissions from 5 submitters: Uncertain significance (4). 1 of the submissions does not count toward it. Last evaluated 2026-02-04.

Conditions:
BRIP1-related disorder. Also called: BRIP1-related condition; BRIP1-related disorders. Identifiers: MedGen CN239206.
Hereditary cancer-predisposing syndrome. Also called: Tumor predisposition; Neoplastic Syndromes, Hereditary; Hereditary Cancer Syndrome; Hereditary neoplastic syndrome. Identifiers: Orphanet 140162, MedGen C0027672, MeSH D009386, MONDO:0015356.
Fanconi anemia complementation group J. Also called: BRIP1-Related Fanconi Anemia. Identifiers: Orphanet 84, MedGen C1836860, MONDO:0012187, OMIM 609054.
Familial cancer of breast. Also called: BREAST CANCER, FAMILIAL; Hereditary breast cancer; hereditary breast carcinoma. Identifiers: Orphanet 227535, MedGen C0346153, MONDO:0016419, OMIM 114480. Disease mechanism: loss of function.

Allele frequency attached by ClinVar (database versions not stated): gnomAD exomes 0.00001; gnomAD 0.00002; TOPMed 0.00004.
gnomAD v4.1: 8 of 1,613,878 alleles (0.0005%); highest among the groups gnomAD compares: African/African-American, 0.011%; no homozygotes.

Submissions (5):

Labcorp Genetics (formerly Invitae), Labcorp
Classification: Uncertain significance for Familial cancer of breast; Fanconi anemia complementation group J. Last evaluated: 2026-02-04. Review status: criteria provided, single submitter. Criteria: Invitae Variant Classification Sherloc (09022015). Collection method: clinical testing. Allele origin: germline.
Comment: This sequence change replaces aspartic acid, which is acidic and polar, with tyrosine, which is neutral and polar, at codon 1112 of the BRIP1 protein (p.Asp1112Tyr). This variant is present in population databases (no rsID available, gnomAD 0.02%). This variant has not been reported in the literature in individuals affected with BRIP1-related conditions. ClinVar contains an entry for this variant (Variation ID: 479410). Invitae Evidence Modeling of protein sequence and biophysical properties (such as structural, functional, and spatial information, amino acid conservation, physicochemical variation, residue mobility, and thermodynamic stability) indicates that this missense variant is not expected to disrupt BRIP1 protein function with a negative predictive value of 95%. In summary, the available evidence is currently insufficient to determine the role of this variant in disease. Therefore, it has been classified as a Variant of Uncertain Significance.

Ambry Genetics
Classification: Uncertain significance for Hereditary cancer-predisposing syndrome. Last evaluated: 2025-09-26. Review status: criteria provided, single submitter. Criteria: Ambry Variant Classification Scheme 2023. Collection method: clinical testing. Allele origin: germline.

Color Diagnostics, LLC DBA Color Health
Classification: Uncertain significance for Hereditary cancer-predisposing syndrome. Last evaluated: 2025-02-03. Review status: criteria provided, single submitter. Criteria: ACMG Guidelines, 2015. Collection method: clinical testing. Allele origin: germline.
Comment: This missense variant replaces aspartic acid with tyrosine at codon 1112 of the BRIP1 protein. Computational prediction suggests that this variant may not impact protein structure and function (internally defined REVEL score threshold <= 0.5, PMID: 27666373). To our knowledge, functional studies have not been reported for this variant. This variant has not been reported in individuals affected with BRIP1-related disorders in the literature. This variant has been identified in 5/250900 chromosomes in the general population by the Genome Aggregation Database (gnomAD). The available evidence is insufficient to determine the role of this variant in disease conclusively. Therefore, this variant is classified as a Variant of Uncertain Significance.

GeneDx
Classification: Uncertain significance. Last evaluated: 2023-05-19. Review status: criteria provided, single submitter. Criteria: GeneDx Variant Classification Process June 2021. Collection method: clinical testing. Allele origin: germline. Affected: yes.
Comment: Not observed at significant frequency in large population cohorts (gnomAD); In silico analysis supports that this missense variant does not alter protein structure/function; Has not been previously published as pathogenic or benign to our knowledge; This variant is associated with the following publications: (PMID: 33619768)

PreventionGenetics, part of Exact Sciences
Classification: Uncertain significance for BRIP1-related condition. Last evaluated: 2024-08-05. Review status: no assertion criteria provided. Collection method: clinical testing. Allele origin: germline. Not counted in ClinVar's aggregate classification.
Comment: The BRIP1 c.3334G>T variant is predicted to result in the amino acid substitution p.Asp1112Tyr. To our knowledge, this variant has not been reported in the literature. This variant is reported in 0.024% of alleles in individuals of African descent in gnomAD, and is classified as a variant of uncertain significance my multiple labs in ClinVar. At this time the clinical significance of this variant is uncertain due to the absence of conclusive functional and genetic evidence.

NM_032043.3(BRIP1):c.3334G>T (p.Asp1112Tyr)

Gene: BRIP1 (BRCA1 interacting DNA helicase 1; minus strand). Cytogenetic location: 17q23.2.
Variant type: single nucleotide variant.
Coding change: c.3334G>T on transcript NM_032043.3 (MANE Select); coding-DNA position 3334, G replaced by T.
Protein change: p.Asp1112Tyr; replaces aspartic acid 1112 with tyrosine.
Molecular consequence: missense variant.
Genome position (GRCh38, 1-based): chr17:61,683,712, C>A on the plus strand (G>T on the coding strand, the complement: BRIP1 is on the minus strand). VCF-style: chr17-61683712-C-A. GRCh37 (hg19) VCF-style: chr17-59761073-C-A.
Other names: short protein forms D1112Y.
Identifiers: ClinVar variation 479410 (VCV000479410.23), dbSNP rs968860042, ClinGen allele CA292267318.